The following is an entry in ClinVar:

ClinVar aggregate classification (germline): Uncertain significance (1 of 4 stars; one submission).

Conditions:
Autosomal recessive limb-girdle muscular dystrophy type 2J (LGMDR10). Also called: Limb-girdle muscular dystrophy, type 2J; MUSCULAR DYSTROPHY, LIMB-GIRDLE, AUTOSOMAL RECESSIVE 10. Identifiers: Orphanet 140922, MedGen C1837342, MONDO:0012127, OMIM 608807.
Dilated cardiomyopathy 1G (CMD1G). Identifiers: Orphanet 154, MedGen C1858763, MONDO:0011400, OMIM 604145.

gnomAD v4.1: 3 of 1,613,642 alleles (0.00019%); highest among the groups gnomAD compares: Non-Finnish European, 0.00025%; no homozygotes.

Submission:

Labcorp Genetics (formerly Invitae), Labcorp
Classification: Uncertain significance for Dilated cardiomyopathy 1G; Autosomal recessive limb-girdle muscular dystrophy type 2J. Last evaluated: 2024-02-11. Review status: criteria provided, single submitter. Criteria: Invitae Variant Classification Sherloc (09022015). Collection method: clinical testing. Allele origin: germline.
Comment: This sequence change replaces arginine, which is basic and polar, with lysine, which is basic and polar, at codon 33871 of the TTN protein (p.Arg33871Lys). This variant is present in population databases (no rsID available, gnomAD 0.0009%). This variant has not been reported in the literature in individuals affected with TTN-related conditions. Experimental studies and prediction algorithms are not available or were not evaluated, and the functional significance of this variant is currently unknown. This variant is located in the M band of TTN (PMID: 25589632). Non-truncating variants in this region may be relevant for neuromuscular disorders, but have not been definitively shown to cause cardiomyopathy (PMID: 23975875). In summary, the available evidence is currently insufficient to determine the role of this variant in disease. Therefore, it has been classified as a Variant of Uncertain Significance.

Literature cited by the submitters: PubMed 25589632; PubMed 23975875.

NM_001267550.2(TTN):c.101612G>A (p.Arg33871Lys)

Genes: TTN (titin; minus strand), TTN-AS1 (TTN antisense RNA 1; plus strand). Cytogenetic location: 2q31.2.
Variant type: single nucleotide variant.
Coding change: c.101612G>A on transcript NM_001267550.2 (MANE Select); coding-DNA position 101612, G replaced by A.
Protein change: p.Arg33871Lys; replaces arginine 33871 with lysine.
Molecular consequence: missense variant.
Genome position (GRCh38, 1-based): chr2:178,535,003, C>T on the plus strand (G>A on the coding strand, the complement: TTN is on the minus strand). VCF-style: chr2-178535003-C-T. GRCh37 (hg19) VCF-style: chr2-179399730-C-T.
Other names: c.96689G>A, p.Arg32230Lys (NM_001256850.1); c.74417G>A, p.Arg24806Lys (NM_003319.4); c.93908G>A, p.Arg31303Lys (NM_133378.4); c.74792G>A, p.Arg24931Lys (NM_133432.3); c.74993G>A, p.Arg24998Lys (NM_133437.4); short protein forms R24806K, R24931K, R24998K, R31303K, R32230K, R33871K.
Identifiers: ClinVar variation 3753246 (VCV003753246.2).